The following is an entry in ClinVar:

ClinVar aggregate classification (germline): Uncertain significance. Review status: criteria provided, multiple submitters, no conflicts (2 of 4 stars). 2 submissions from 2 submitters: Uncertain significance (2). Last evaluated 2025-07-01.

Conditions:
Hereditary cancer-predisposing syndrome. Also called: Tumor predisposition; Neoplastic Syndromes, Hereditary; Hereditary Cancer Syndrome; Hereditary neoplastic syndrome. Identifiers: Orphanet 140162, MedGen C0027672, MeSH D009386, MONDO:0015356.
Multiple endocrine neoplasia, type 2 (MEN2). Identifiers: Orphanet 653, MedGen C4048306, MONDO:0019003. Disease mechanism: gain of function.

Submissions (2):

Labcorp Genetics (formerly Invitae), Labcorp
Classification: Uncertain significance for Multiple endocrine neoplasia, type 2. Last evaluated: 2025-07-01. Review status: criteria provided, single submitter. Criteria: Invitae Variant Classification Sherloc (09022015). Collection method: clinical testing. Allele origin: germline.
Comment: This sequence change replaces serine, which is neutral and polar, with proline, which is neutral and non-polar, at codon 1054 of the RET protein (p.Ser1054Pro). This variant is not present in population databases (gnomAD no frequency). This variant has not been reported in the literature in individuals affected with RET-related conditions. ClinVar contains an entry for this variant (Variation ID: 1728308). An algorithm developed to predict the effect of missense changes on protein structure and function (PolyPhen-2) suggests that this variant is likely to be tolerated. In summary, the available evidence is currently insufficient to determine the role of this variant in disease. Therefore, it has been classified as a Variant of Uncertain Significance.

Ambry Genetics
Classification: Uncertain significance for Hereditary cancer-predisposing syndrome. Last evaluated: 2023-10-13. Review status: criteria provided, single submitter. Criteria: Ambry Variant Classification Scheme 2023. Collection method: clinical testing. Allele origin: germline.
Comment: The p.S1054P variant (also known as c.3160T>C), located in coding exon 19 of the RET gene, results from a T to C substitution at nucleotide position 3160. The serine at codon 1054 is replaced by proline, an amino acid with similar properties. This amino acid position is highly conserved in available vertebrate species. In addition, this alteration is predicted to be deleterious by in silico analysis. Since supporting evidence is limited at this time, the clinical significance of this alteration remains unclear.

NM_020975.6(RET):c.3160T>C (p.Ser1054Pro)

Gene: RET (ret proto-oncogene; plus strand). Cytogenetic location: 10q11.21.
Variant type: single nucleotide variant.
Coding change: c.3160T>C on transcript NM_020975.6 (MANE Select); coding-DNA position 3160, T replaced by C.
Protein change: p.Ser1054Pro; replaces serine 1054 with proline.
Molecular consequence: missense variant.
Genome position (GRCh38, 1-based): chr10:43,126,695, T>C. VCF-style: chr10-43126695-T-C. GRCh37 (hg19) VCF-style: chr10-43622143-T-C.
Other names: c.3160T>C, p.Ser1054Pro (NM_000323.2, NM_001406743.1, NM_001406744.1 and 2 more transcripts); c.2398T>C, p.Ser800Pro (NM_001355216.2); c.3031T>C, p.Ser1011Pro (NM_001406761.1, NM_001406762.1, NM_001406764.1); c.3025T>C, p.Ser1009Pro (NM_001406763.1, NM_001406765.1); c.2872T>C, p.Ser958Pro (NM_001406766.1, NM_001406767.1, NM_001406770.1); c.2896T>C, p.Ser966Pro (NM_001406768.1); c.2764T>C, p.Ser922Pro (NM_001406769.1, NM_001406772.1); c.2722T>C, p.Ser908Pro (NM_001406771.1, NM_001406773.1); and 10 more; short protein forms S1009P, S712P, S755P, S812P, S908P, S659P, S715P, S800P.
Identifiers: ClinVar variation 1728308 (VCV001728308.3), dbSNP rs2538644929, ClinGen allele CA376558509.